The following is an entry in ClinVar:

NM_006793.5(PRDX3):c.517G>T (p.Gly173Cys)

Gene: PRDX3 (peroxiredoxin 3; minus strand). Cytogenetic location: 10q26.11.
Variant type: single nucleotide variant.
Coding change: c.517G>T on transcript NM_006793.5 (MANE Select); coding-DNA position 517, G replaced by T.
Protein change: p.Gly173Cys; replaces glycine 173 with cysteine.
Molecular consequence: missense variant. On other transcripts: non-coding transcript variant (3).
Genome position (GRCh38, 1-based): chr10:119,172,416, C>A on the plus strand (G>T on the coding strand, the complement: PRDX3 is on the minus strand). VCF-style: chr10-119172416-C-A. GRCh37 (hg19) VCF-style: chr10-120931928-C-A.
Other names: c.517G>T, p.Gly173Cys (NM_001302272.2); short protein forms G173C.
Identifiers: ClinVar variation 2640876 (VCV002640876.24), dbSNP rs11554923, ClinGen allele CA5714869.

ClinVar aggregate classification (germline): Likely benign (1 of 4 stars; one submission).

Allele frequency attached by ClinVar (database versions not stated): 1000 Genomes Project 0.00140; 1000 Genomes Project 30x 0.00172; ESP Exome Variant Server 0.00700.
gnomAD v4.1: 10,731 of 1,613,992 alleles (0.66%); highest among the groups gnomAD compares: Non-Finnish European, 0.78%; 57 homozygotes.

Submission:

CeGaT Center for Human Genetics Tuebingen
Classification: Likely benign. Last evaluated: 2026-06-01. Review status: criteria provided, single submitter. Criteria: CeGaT Center For Human Genetics Tuebingen Variant Classification Criteria Version 2. Collection method: clinical testing. Allele origin: germline. Affected: yes. Observed: 4 variant alleles.
Comment: PRDX3: BS2